The following is an entry in ClinVar:

ClinVar aggregate classification (germline): Likely benign. Review status: criteria provided, single submitter (1 of 4 stars). 2 submissions from 2 submitters: Likely benign (1). 1 of the submissions does not count toward it. Last evaluated 2025-09-01.

Conditions:
CEP76-related disorder. Also called: CEP76-related condition.

Allele frequency attached by ClinVar (database versions not stated): ESP Exome Variant Server 0.00031; ExAC 0.00199; TOPMed 0.00029; 1000 Genomes Project 0.00080; gnomAD 0.00163; 1000 Genomes Project 30x 0.00062.
gnomAD v4.1: 1,691 of 1,614,044 alleles (0.1%); highest among the groups gnomAD compares: East Asian, 0.25%; 9 homozygotes.

Submissions (2):

CeGaT Center for Human Genetics Tuebingen
Classification: Likely benign. Last evaluated: 2025-09-01. Review status: criteria provided, single submitter. Criteria: CeGaT Center For Human Genetics Tuebingen Variant Classification Criteria Version 2. Collection method: clinical testing. Allele origin: germline. Affected: yes. Observed: 1 variant allele.
Comment: CEP76: BP4, BP7

PreventionGenetics, part of Exact Sciences
Classification: Benign for CEP76-related condition. Last evaluated: 2019-12-23. Review status: no assertion criteria provided. Collection method: clinical testing. Allele origin: germline. Not counted in ClinVar's aggregate classification.
Comment: This variant is classified as benign based on ACMG/AMP sequence variant interpretation guidelines (Richards et al. 2015 PMID: 25741868, with internal and published modifications).

NM_024899.4(CEP76):c.630A>C (p.Ser210=)

Genes: CEP76 (centrosomal protein 76; minus strand), PSMG2 (proteasome assembly chaperone 2; plus strand). Cytogenetic location: 18p11.21.
Variant type: single nucleotide variant.
Coding change: c.630A>C on transcript NM_024899.4 (MANE Select); coding-DNA position 630, A replaced by C.
Protein change: p.Ser210=; no amino-acid change (serine 210 retained).
Molecular consequence: synonymous variant. On other transcripts: non-coding transcript variant (1), intron variant (1).
Genome position (GRCh38, 1-based): chr18:12,697,299, T>G on the plus strand (A>C on the coding strand, the complement: CEP76 is on the minus strand). VCF-style: chr18-12697299-T-G. GRCh37 (hg19) VCF-style: chr18-12697298-T-G.
Other names: c.405A>C, p.Ser135= (NM_001271989.2); c.-36-9251T>G (NM_147163.2).
Identifiers: ClinVar variation 3048600 (VCV003048600.9), dbSNP rs146647843, ClinGen allele CA8898050.